The following is an entry in ClinVar:

NM_000337.6(SGCD):c.662G>A (p.Cys221Tyr)

Gene: SGCD (sarcoglycan delta; plus strand). Cytogenetic location: 5q33.3.
Variant type: single nucleotide variant.
Coding change: c.662G>A on transcript NM_000337.6 (MANE Select); coding-DNA position 662, G replaced by A.
Protein change: p.Cys221Tyr; replaces cysteine 221 with tyrosine.
Molecular consequence: missense variant.
Genome position (GRCh38, 1-based): chr5:156,757,667, G>A. VCF-style: chr5-156757667-G-A. GRCh37 (hg19) VCF-style: chr5-156184678-G-A.
Other names: c.659G>A, p.Cys220Tyr (NM_001128209.2); c.662G>A, p.Cys221Tyr (NM_172244.3); short protein forms C221Y, C220Y.
Identifiers: ClinVar variation 567125 (VCV000567125.10), dbSNP rs1561899959, ClinGen allele CA362008607.
Genomic context (GRCh38, chr5:156,757,667, plus strand): 5'-TGATGGAGGCCCCAAAAGGAGTGGAAATCAATGCAGAAGCTGGCAATATGGAAGCCACCT[G>A]CAGGACAGAGCTGAGACTGGAATCCAAAGATGGAGAGGTGAGGGATGAGAAGGACAGAAG-3'
Protein context (NP_000328.2, residues 211-231): NAEAGNMEAT[Cys221Tyr]RTELRLESKD

ClinVar aggregate classification (germline): Uncertain significance (1 of 4 stars; one submission).

Conditions:
Autosomal recessive limb-girdle muscular dystrophy type 2F (LGMDR6). Also called: MUSCULAR DYSTROPHY, LIMB-GIRDLE, AUTOSOMAL RECESSIVE 6; Muscular dystrophy limb-girdle with delta-sarcoglyan deficiency. Identifiers: Orphanet 219, MedGen C1832525, MONDO:0011028, OMIM 601287. Disease mechanism: Affects gamma-sarcoglycan and also disrupts the integrity of the entire sarcoglycan complex..

Allele frequency attached by ClinVar (database versions not stated): gnomAD exomes below 0.00001.
gnomAD v4.1: 2 of 1,608,912 alleles (0.00012%); highest among the groups gnomAD compares: South Asian, 0.0011%; no homozygotes.

Submission:

Labcorp Genetics (formerly Invitae), Labcorp
Classification: Uncertain significance for Autosomal recessive limb-girdle muscular dystrophy type 2F. Last evaluated: 2022-04-25. Review status: criteria provided, single submitter. Criteria: Invitae Variant Classification Sherloc (09022015). Collection method: clinical testing. Allele origin: germline.
Comment: This variant has not been reported in the literature in individuals affected with SGCD-related conditions. In summary, the available evidence is currently insufficient to determine the role of this variant in disease. Therefore, it has been classified as a Variant of Uncertain Significance. Algorithms developed to predict the effect of missense changes on protein structure and function are either unavailable or do not agree on the potential impact of this missense change (SIFT: "Deleterious"; PolyPhen-2: "Probably Damaging"; Align-GVGD: "Class C0"). ClinVar contains an entry for this variant (Variation ID: 567125). This variant is not present in population databases (gnomAD no frequency). This sequence change replaces cysteine, which is neutral and slightly polar, with tyrosine, which is neutral and polar, at codon 221 of the SGCD protein (p.Cys221Tyr).